The following is an entry in ClinVar:

ClinVar aggregate classification (germline): Uncertain significance (1 of 4 stars; one submission).

Allele frequency attached by ClinVar (database versions not stated): gnomAD exomes below 0.00001; ExAC 0.00001; gnomAD 0.00001; TOPMed 0.00001.

Submission:

Labcorp Genetics (formerly Invitae), Labcorp
Classification: Uncertain significance. Last evaluated: 2023-03-25. Review status: criteria provided, single submitter. Criteria: Invitae Variant Classification Sherloc (09022015). Collection method: clinical testing. Allele origin: germline.
Comment: This variant has not been reported in the literature in individuals affected with RNF31-related conditions. This sequence change replaces arginine, which is basic and polar, with tryptophan, which is neutral and slightly polar, at codon 91 of the RNF31 protein (p.Arg91Trp). This variant is present in population databases (rs760481091, gnomAD 0.003%). An algorithm developed to predict the effect of missense changes on protein structure and function (PolyPhen-2) suggests that this variant is likely to be disruptive. In summary, the available evidence is currently insufficient to determine the role of this variant in disease. Therefore, it has been classified as a Variant of Uncertain Significance.

NM_017999.5(RNF31):c.271C>T (p.Arg91Trp)

Gene: RNF31 (ring finger protein 31; plus strand). Cytogenetic location: 14q12.
Variant type: single nucleotide variant.
Coding change: c.271C>T on transcript NM_017999.5 (MANE Select); coding-DNA position 271, C replaced by T.
Protein change: p.Arg91Trp; replaces arginine 91 with tryptophan.
Molecular consequence: missense variant. On other transcripts: 5 prime UTR variant (1).
Genome position (GRCh38, 1-based): chr14:24,148,054, C>T. VCF-style: chr14-24148054-C-T. GRCh37 (hg19) VCF-style: chr14-24617263-C-T.
Other names: c.-247C>T (NM_001310332.2); short protein forms R91W.
Identifiers: ClinVar variation 3011727 (VCV003011727.3), dbSNP rs760481091, ClinGen allele CA7125404.